The following is an entry in ClinVar:

ClinVar aggregate classification (germline): Uncertain significance. Review status: criteria provided, multiple submitters, no conflicts (2 of 4 stars). 2 submissions from 2 submitters: Uncertain significance (2). Last evaluated 2025-11-06.

Conditions:
LRRC8A-related disorder. Also called: LRRC8A-related condition.

Allele frequency attached by ClinVar (database versions not stated): ExAC 0.00001; gnomAD 0.00001; gnomAD exomes 0.00001.

Submissions (2):

PreventionGenetics, part of Exact Sciences
Classification: Uncertain significance for LRRC8A-related condition. Last evaluated: 2025-11-06. Review status: criteria provided, single submitter. Criteria: ACMG Guidelines, 2015. Collection method: clinical testing. Allele origin: germline.
Comment: The LRRC8A c.676C>T variant is predicted to result in the amino acid substitution p.Arg226Cys. To our knowledge, this variant has not been reported in the literature. This variant is reported in 0.0023% of alleles in individuals of European (Non-Finnish) descent in gnomAD. At this time, the clinical significance of this variant is uncertain due to the absence of conclusive functional and genetic evidence.

Labcorp Genetics (formerly Invitae), Labcorp
Classification: Uncertain significance. Last evaluated: 2021-09-24. Review status: criteria provided, single submitter. Criteria: Invitae Variant Classification Sherloc (09022015). Collection method: clinical testing. Allele origin: germline.
Comment: This sequence change replaces arginine with cysteine at codon 226 of the LRRC8A protein (p.Arg226Cys). The arginine residue is highly conserved and there is a large physicochemical difference between arginine and cysteine. This variant is present in population databases (rs769700611, ExAC 0.002%). This variant has not been reported in the literature in individuals with LRRC8A-related conditions. Algorithms developed to predict the effect of missense changes on protein structure and function are either unavailable or do not agree on the potential impact of this missense change (SIFT: "Deleterious"; PolyPhen-2: "Benign"; Align-GVGD: "Class C45"). In summary, the available evidence is currently insufficient to determine the role of this variant in disease. Therefore, it has been classified as a Variant of Uncertain Significance.

NM_019594.4(LRRC8A):c.676C>T (p.Arg226Cys)

Gene: LRRC8A (leucine rich repeat containing 8 VRAC subunit A; plus strand). Cytogenetic location: 9q34.11.
Variant type: single nucleotide variant.
Coding change: c.676C>T on transcript NM_019594.4 (MANE Select); coding-DNA position 676, C replaced by T.
Protein change: p.Arg226Cys; replaces arginine 226 with cysteine.
Molecular consequence: missense variant.
Genome position (GRCh38, 1-based): chr9:128,907,840, C>T. VCF-style: chr9-128907840-C-T. GRCh37 (hg19) VCF-style: chr9-131670119-C-T.
Other names: c.676C>T (NM_019594.3); c.676C>T, p.Arg226Cys (NM_001127244.2, NM_001127245.2); short protein forms R226C.
Identifiers: ClinVar variation 1346478 (VCV001346478.6), dbSNP rs769700611, ClinGen allele CA5270754.
Genomic context (GRCh38, chr9:128,907,840, plus strand): 5'-GAGGCCACCGTGCCCATGCTGCAGCGGACCAAGTCACGGATCGAGCAGGGTATCGTGGAC[C>T]GCTCAGAGACGGGCGTGCTGGACAAGAAGGAGGGGGAGCAAGCCAAGGCGCTGTTTGAGA-3'
Protein context (NP_062540.2, residues 216-236): KSRIEQGIVD[Arg226Cys]SETGVLDKKE